The following is an entry in ClinVar:

ClinVar aggregate classification (germline): Likely benign (1 of 4 stars; one submission).

Conditions:
Colorectal cancer, susceptibility to, 12 (CRCS12). Also called: COLORECTAL CANCER, SUSCEPTIBILITY TO, ON CHROMOSOME 12q24. Identifiers: Orphanet 220460, MedGen C3554460, MONDO:0014038, OMIM 615083.

Submission:

Myriad Genetics, Inc.
Classification: Likely benign for Colorectal cancer, susceptibility to, 12. Last evaluated: 2025-02-07. Review status: criteria provided, single submitter. Criteria: Myriad Autosomal Dominant, Autosomal Recessive and X-Linked Classification Criteria (2023). Collection method: clinical testing. Allele origin: unknown.
Comment: This variant is considered likely benign. This variant is intronic and is not expected to impact mRNA splicing.

NM_006231.4(POLE):c.910-15A>G

Gene: POLE (DNA polymerase epsilon, catalytic subunit; minus strand). Cytogenetic location: 12q24.33.
Variant type: single nucleotide variant.
Coding change: c.910-15A>G on transcript NM_006231.4 (MANE Select); 15 bases into the intron before coding-DNA position 910, A replaced by G.
Molecular consequence: intron variant.
Genome position (GRCh38, 1-based): chr12:132,676,219, T>C on the plus strand (A>G on the coding strand, the complement: POLE is on the minus strand). VCF-style: chr12-132676219-T-C. GRCh37 (hg19) VCF-style: chr12-133252805-T-C.
Identifiers: ClinVar variation 3904189 (VCV003904189.1).
Genomic context (GRCh38, chr12:132,676,219, plus strand): 5'-CTTCAATATCTTCTGAAACAATCTCCCTGTTGGTGATGAGGTAGCCCTAGCCAAGTTCAT[T>C]AGCAATCAGCACAAGTCAGAGGCTGCAAAGCCAAGAAATGGCGTTCCCACCCTGCCCACA-3'